The following is an entry in ClinVar:

NM_000091.5(COL4A3):c.2275G>A (p.Gly759Arg)

Genes: COL4A3 (collagen type IV alpha 3 chain; plus strand), MFF-DT (MFF divergent transcript; minus strand). Cytogenetic location: 2q36.3.
Variant type: single nucleotide variant.
Coding change: c.2275G>A on transcript NM_000091.5 (MANE Select); coding-DNA position 2275, G replaced by A.
Protein change: p.Gly759Arg; replaces glycine 759 with arginine.
Molecular consequence: missense variant.
Genome position (GRCh38, 1-based): chr2:227,280,491, G>A. VCF-style: chr2-227280491-G-A. GRCh37 (hg19) VCF-style: chr2-228145207-G-A.
Other names: c.2275G>A (NM_000091.4); short protein forms G759R.
Identifiers: ClinVar variation 974464 (VCV000974464.7), dbSNP rs2071886531, ClinGen allele CA350849079.

ClinVar aggregate classification (germline): Conflicting classifications of pathogenicity. Review status: criteria provided, conflicting classifications (1 of 4 stars). 4 submissions from 4 submitters: Likely pathogenic (3); Uncertain significance (1). Last evaluated 2025-07-23.

Conditions:
Alport syndrome. Also called: Hemorrhagic familial nephritis; Hemorrhagic hereditary nephritis; Congenital hereditary hematuria. Identifiers: Orphanet 63, MedGen C1567741, MONDO:0018965.
Autosomal dominant Alport syndrome (ATS3A). Also called: ALPORT SYNDROME 3A, AUTOSOMAL DOMINANT; Alport syndrome dominant type; Renal failure and sensorineural hearing loss. Identifiers: Orphanet 63, Orphanet 88918, MedGen C5882663, MONDO:0007086, OMIM 104200.

Allele frequency attached by ClinVar (database versions not stated): TOPMed below 0.00001.

Submissions (4):

Natera, Inc.
Classification: Likely pathogenic for Alport syndrome. Last evaluated: 2025-07-23. Review status: criteria provided, single submitter. Criteria: Natera Variant Classification Schema (03/2026). Collection method: clinical testing. Allele origin: germline.
Comment: The c.2275G>A variant in COL4A3 is a missense variant predicted to cause substitution of glycine to arginine at amino acid 759. This variant is rare in the general population with a frequency below the threshold expected for the associated phenotype(s). This variant has been observed in affected individual(s) with monoallelic occurrence (heterozygous/hemizygous) (PMID: 29801666, 38178635). This variant is located in a functionally critical region of the protein. Another variant at this same site results in an alteration predicted to cause a similar molecular effect has been observed in individual(s) with the associated phenotype. Computational prediction algorithms indicate this variant is likely to affect gene or protein function. Given the available evidence, this variant is classified as Likely Pathogenic.

Labcorp Genetics (formerly Invitae), Labcorp
Classification: Uncertain significance. Last evaluated: 2021-09-02. Review status: criteria provided, single submitter. Criteria: Invitae Variant Classification Sherloc (09022015). Collection method: clinical testing. Allele origin: germline.
Comment: This sequence change replaces glycine with arginine at codon 759 of the COL4A3 protein (p.Gly759Arg). The glycine residue is highly conserved and there is a moderate physicochemical difference between glycine and arginine. This variant is not present in population databases (ExAC no frequency). This missense change has been observed in individual(s) with clinical features of Alport syndrome (PMID: 28600779, 29801666; Invitae). Experimental studies and prediction algorithms are not available or were not evaluated, and the functional significance of this variant is currently unknown. In summary, the available evidence is currently insufficient to determine the role of this variant in disease. Therefore, it has been classified as a Variant of Uncertain Significance.

Molecular Biology Laboratory, Fundació Puigvert
Classification: Likely pathogenic for Autosomal dominant Alport syndrome. Last evaluated: 2020-02-01. Review status: criteria provided, single submitter. Criteria: ACMG Guidelines, 2015. Collection method: research. Allele origin: germline. Affected: yes. Study: KidneyPanel_2020.

Clinical Genetics Service, Universitary Hospital 12 de Octubre
Classification: Likely pathogenic for Autosomal dominant Alport syndrome. Review status: criteria provided, single submitter. Criteria: ACMG Guidelines, 2015. Collection method: clinical testing. Allele origin: germline. Affected: yes.

Literature cited by the submitters: PubMed 29801666 (cited by Natera, Inc. and Labcorp Genetics (formerly Invitae), Labcorp); PubMed 38178635 (cited by Natera, Inc.); PubMed 28600779 (cited by Labcorp Genetics (formerly Invitae), Labcorp); PubMed 33532864 (cited by Molecular Biology Laboratory, Fundació Puigvert).